The following is an entry in ClinVar:

NM_001330723.2(SNX27):c.1_2insAGGGACATAGTAATTTCCGTTGTTTCATGTTCTAATCTGTATATGGAAGTTTCATTGACAAGCTCATAAAATGGCAGTTCCACACAACTTTGGGAAGCAATAATTTACATTATTAAAATTATCCTGAAAA (p.Met1delinsLysGlyHisSerAsnPheArgCysPheMetPheTer)

Genes: SNX27 (sorting nexin 27; plus strand), LOC129931442 (ATAC-STARR-seq lymphoblastoid silent region 1324; plus strand). Cytogenetic location: 1q21.3.
Variant type: Insertion.
Coding change: c.1_2insAGGGACATAGTAATTTCCGTTGTTTCATGTTCTAATCTGTATATGGAAGTTTCATTGACAAGCTCATAAAATGGCAGTTCCACACAACTTTGGGAAGCAATAATTTACATTATTAAAATTATCCTGAAAA on transcript NM_001330723.2 (MANE Select); coding-DNA positions 1 to 2, AGGGACATAGTAATTTCCGTTGTTTCATGTTCTAATCTGTATATGGAAGTTTCATTGACAAGCTCATAAAATGGCAGTTCCACACAACTTTGGGAAGCAATAATTTACATTATTAAAATTATCCTGAAAA inserted.
Protein change: p.Met1delinsLysGlyHisSerAsnPheArgCysPheMetPheTer.
Molecular consequence: nonsense, initiator codon variant.
Genome position: GRCh38: chr1:151,612,202-151,612,203. GRCh37 (hg19): chr1:151,584,678-151,584,679.
Other names: c.1_2insAGGGACATAGTAATTTCCGTTGTTTCATGTTCTAATCTGTATATGGAAGTTTCATTGACAAGCTCATAAAATGGCAGTTCCACACAACTTTGGGAAGCAATAATTTACATTATTAAAATTATCCTGAAAA, p.Met1delinsLysGlyHisSerAsnPheArgCysPheMetPheTer (NM_030918.6).
Identifiers: ClinVar variation 1506035 (VCV001506035.7), dbSNP rs2102578010, ClinGen allele CA2573131071.

ClinVar aggregate classification (germline): Uncertain significance (1 of 4 stars; one submission).

Conditions:
Severe myoclonic epilepsy in infancy (DRVT). Also called: DEVELOPMENTAL AND EPILEPTIC ENCEPHALOPATHY 6A; Severe Myoclonic Epilepsy in Infancy (SMEI); SEVERE MYOCLONIC EPILEPSY OF INFANCY; Dravet syndrome; Epileptic encephalopathy, early infantile, 6 (Dravet syndrome). Identifiers: Orphanet 33069, MedGen C0751122, MONDO:0100135, OMIM 607208.

Submission:

Labcorp Genetics (formerly Invitae), Labcorp
Classification: Uncertain significance for Severe myoclonic epilepsy in infancy. Last evaluated: 2021-06-29. Review status: criteria provided, single submitter. Criteria: Invitae Variant Classification Sherloc (09022015). Collection method: clinical testing. Allele origin: germline.
Comment: Algorithms developed to predict the effect of sequence changes on RNA splicing suggest that this variant may create or strengthen a splice site. This variant has not been reported in the literature in individuals affected with SNX27-related conditions. The frequency data for this variant in the population databases is considered unreliable, as metrics indicate insufficient coverage at this position in the ExAC database. This sequence change affects the initiator methionine of the SNX27 mRNA. The next in-frame methionine is located at codon 187. In summary, the available evidence is currently insufficient to determine the role of this variant in disease. Therefore, it has been classified as a Variant of Uncertain Significance.